The following is an entry in ClinVar:

NM_004525.3(LRP2):c.11978C>A (p.Ala3993Asp)

Gene: LRP2 (LDL receptor related protein 2; minus strand). Cytogenetic location: 2q31.1.
Variant type: single nucleotide variant.
Coding change: c.11978C>A on transcript NM_004525.3 (MANE Select); coding-DNA position 11978, C replaced by A.
Protein change: p.Ala3993Asp; replaces alanine 3993 with aspartic acid.
Molecular consequence: missense variant.
Genome position (GRCh38, 1-based): chr2:169,157,412, G>T on the plus strand (C>A on the coding strand, the complement: LRP2 is on the minus strand). VCF-style: chr2-169157412-G-T. GRCh37 (hg19) VCF-style: chr2-170013922-G-T.
Other names: short protein forms A3993D.
Identifiers: ClinVar variation 2125212 (VCV002125212.6), dbSNP rs1686371815, ClinGen allele CA349138296.

ClinVar aggregate classification (germline): Uncertain significance. Review status: criteria provided, multiple submitters, no conflicts (2 of 4 stars). 2 submissions from 2 submitters: Uncertain significance (2). Last evaluated 2024-08-20.

Submissions (2):

Dasa
Classification: Uncertain significance. Last evaluated: 2024-08-20. Review status: criteria provided, single submitter. Criteria: DASA Assertion Criteria. Collection method: clinical testing. Allele origin: germline.
Comment: NM_004525.3(LRP2):c.11978C>A (p.Ala3993Asp) is a missense variant that results in the substitution of alanine with aspartic acid. This variant is absent from population databases. Computational prediction algorithms are consistent with a benign effect. The currently available literature and clinical evidence are not sufficient to establish a definitive association between this variant and the reported condition. Therefore, this variant is classified as a variant of uncertain significance.

Labcorp Genetics (formerly Invitae), Labcorp
Classification: Uncertain significance. Last evaluated: 2022-04-12. Review status: criteria provided, single submitter. Criteria: Invitae Variant Classification Sherloc (09022015). Collection method: clinical testing. Allele origin: germline.
Comment: Advanced modeling of protein sequence and biophysical properties (such as structural, functional, and spatial information, amino acid conservation, physicochemical variation, residue mobility, and thermodynamic stability) performed at Invitae indicates that this missense variant is not expected to disrupt LRP2 protein function. In summary, the available evidence is currently insufficient to determine the role of this variant in disease. Therefore, it has been classified as a Variant of Uncertain Significance. This variant has not been reported in the literature in individuals affected with LRP2-related conditions. This variant is not present in population databases (gnomAD no frequency). This sequence change replaces alanine, which is neutral and non-polar, with aspartic acid, which is acidic and polar, at codon 3993 of the LRP2 protein (p.Ala3993Asp).